The following is an entry in ClinVar:

NM_000368.5(TSC1):c.1718A>C (p.Gln573Pro)

Gene: TSC1 (TSC complex subunit 1; minus strand). Cytogenetic location: 9q34.13.
Variant type: single nucleotide variant.
Coding change: c.1718A>C on transcript NM_000368.5 (MANE Select); coding-DNA position 1718, A replaced by C.
Protein change: p.Gln573Pro; replaces glutamine 573 with proline.
Molecular consequence: missense variant. On other transcripts: non-coding transcript variant (5).
Genome position (GRCh38, 1-based): chr9:132,905,860, T>G on the plus strand (A>C on the coding strand, the complement: TSC1 is on the minus strand). VCF-style: chr9-132905860-T-G. GRCh37 (hg19) VCF-style: chr9-135781247-T-G.
Other names: c.1715A>C, p.Gln572Pro (NM_001162426.2, NM_001406608.1, NM_001406609.1 and 6 more transcripts); c.1565A>C, p.Gln522Pro (NM_001162427.2, NM_001406610.1); c.1355A>C, p.Gln452Pro (NM_001362177.2, NM_001406614.1, NM_001406615.1 and 5 more transcripts); c.1718A>C, p.Gln573Pro (NM_001406592.1, NM_001406593.1, NM_001406594.1 and 7 more transcripts); c.1562A>C, p.Gln521Pro (NM_001406611.1, NM_001406612.1, NM_001406613.1); c.1352A>C, p.Gln451Pro (NM_001406625.1, NM_001406620.1, NM_001406621.1 and 2 more transcripts); c.767A>C, p.Gln256Pro (NM_001406626.1); c.764A>C, p.Gln255Pro (NM_001406627.1, NM_001406628.1); and 1 more; short protein forms Q451P, Q521P, Q522P, Q255P, Q256P, Q452P, Q222P, Q572P.
Identifiers: ClinVar variation 2727379 (VCV002727379.4), dbSNP rs2131829461, ClinGen allele CA375364006.

ClinVar aggregate classification (germline): Uncertain significance. Review status: criteria provided, multiple submitters, no conflicts (2 of 4 stars). 2 submissions from 2 submitters: Uncertain significance (2). Last evaluated 2025-09-12.

Conditions:
Hereditary cancer-predisposing syndrome. Also called: Hereditary neoplastic syndrome; Hereditary Cancer Syndrome; Neoplastic Syndromes, Hereditary; Tumor predisposition. Identifiers: Orphanet 140162, MedGen C0027672, MeSH D009386, MONDO:0015356.
Tuberous sclerosis 1 (TSC1). Identifiers: Orphanet 805, MedGen C1854465, MONDO:0008612, OMIM 191100.

Submissions (2):

Ambry Genetics
Classification: Uncertain significance for Hereditary cancer-predisposing syndrome. Last evaluated: 2025-09-12. Review status: criteria provided, single submitter. Criteria: Ambry Variant Classification Scheme 2023. Collection method: clinical testing. Allele origin: germline.
Comment: The p.Q573P variant (also known as c.1718A>C), located in coding exon 13 of the TSC1 gene, results from an A to C substitution at nucleotide position 1718. The glutamine at codon 573 is replaced by proline, an amino acid with similar properties. This amino acid position is conserved. In addition, this alteration is predicted to be tolerated by in silico analysis. Based on the available evidence, the clinical significance of this variant remains unclear.

Labcorp Genetics (formerly Invitae), Labcorp
Classification: Uncertain significance for Tuberous sclerosis 1. Last evaluated: 2024-01-18. Review status: criteria provided, single submitter. Criteria: Invitae Variant Classification Sherloc (09022015). Collection method: clinical testing. Allele origin: germline.
Comment: This sequence change replaces glutamine, which is neutral and polar, with proline, which is neutral and non-polar, at codon 573 of the TSC1 protein (p.Gln573Pro). This variant is not present in population databases (gnomAD no frequency). This variant has not been reported in the literature in individuals affected with TSC1-related conditions. Advanced modeling of protein sequence and biophysical properties (such as structural, functional, and spatial information, amino acid conservation, physicochemical variation, residue mobility, and thermodynamic stability) performed at Invitae indicates that this missense variant is not expected to disrupt TSC1 protein function with a negative predictive value of 95%. In summary, the available evidence is currently insufficient to determine the role of this variant in disease. Therefore, it has been classified as a Variant of Uncertain Significance.